The following is an entry in ClinVar:

ClinVar aggregate classification (germline): Uncertain significance (1 of 4 stars; one submission).

Submission:

GeneDx
Classification: Uncertain significance. Last evaluated: 2025-04-04. Review status: criteria provided, single submitter. Criteria: GeneDx Variant Classification Process June 2021. Collection method: clinical testing. Allele origin: germline. Affected: yes.
Comment: Not observed at significant frequency in large population cohorts (gnomAD); In-frame duplication of 2 amino acid(s) in a non-repeat region; Has not been previously published as pathogenic or benign to our knowledge

NM_001348716.2(KDM6B):c.491_496dup (p.His165_Arg166insGlnHis)

Gene: KDM6B (lysine demethylase 6B; plus strand). Cytogenetic location: 17p13.1.
Variant type: Duplication.
Coding change: c.491_496dup on transcript NM_001348716.2 (MANE Select); coding-DNA positions 491 to 496, 6 bases duplicated (AGCACC; older notation c.491_496dupAGCACC).
Protein change: p.His165_Arg166insGlnHis.
Molecular consequence: inframe insertion.
Genome position (GRCh38, 1-based): chr17:7,846,434-7,846,439, AGCACC duplicated; duplicating any 6 consecutive bases within chr17:7,846,432-7,846,439 gives the same sequence; the c. name uses the placement nearest the transcript's 3' end. VCF-style (leftmost placement, unchanged base first): chr17-7846431-G-GCCAGCA. GRCh37 (hg19) VCF-style: chr17-7749749-G-GCCAGCA.
Other names: c.491_496dup, p.His165_Arg166insGlnHis (NM_001080424.2).
Identifiers: ClinVar variation 4278873 (VCV004278873.1).